The following is an entry in ClinVar:

NM_012472.6(DNAAF11):c.707A>G (p.Asn236Ser)

Gene: DNAAF11 (dynein axonemal assembly factor 11; minus strand). Cytogenetic location: 8q24.22.
Variant type: single nucleotide variant.
Coding change: c.707A>G on transcript NM_012472.6 (MANE Select); coding-DNA position 707, A replaced by G.
Protein change: p.Asn236Ser; replaces asparagine 236 with serine.
Molecular consequence: missense variant. On other transcripts: non-coding transcript variant (10).
Genome position (GRCh38, 1-based): chr8:132,625,401, T>C on the plus strand (A>G on the coding strand, the complement: DNAAF11 is on the minus strand). VCF-style: chr8-132625401-T-C. GRCh37 (hg19) VCF-style: chr8-133637647-T-C.
Other names: c.347A>G, p.Asn116Ser (NM_001321966.2, NM_001321963.2, NM_001321964.2 and 1 more transcripts); c.707A>G, p.Asn236Ser (NM_001321961.2); c.461A>G, p.Asn154Ser (NM_001321962.2); short protein forms N116S, N154S, N236S.
Identifiers: ClinVar variation 1681038 (VCV001681038.6), dbSNP rs1820155543, ClinGen allele CA372294800.

ClinVar aggregate classification (germline): Uncertain significance (1 of 4 stars; one submission).

Conditions:
Primary ciliary dyskinesia 19. Also called: CILIARY DYSKINESIA, PRIMARY, 19, WITH OR WITHOUT SITUS INVERSUS. Identifiers: Orphanet 244, MedGen C3543826, MONDO:0013979, OMIM 614935.

Allele frequency attached by ClinVar (database versions not stated): gnomAD exomes below 0.00001.
gnomAD v4.1: 1 of 1,613,680 alleles (0.000062%); highest among the groups gnomAD compares: Non-Finnish European, 0.000085%; no homozygotes.

Submission:

Labcorp Genetics (formerly Invitae), Labcorp
Classification: Uncertain significance for Primary ciliary dyskinesia 19. Last evaluated: 2023-08-04. Review status: criteria provided, single submitter. Criteria: Invitae Variant Classification Sherloc (09022015). Collection method: clinical testing. Allele origin: germline.
Comment: This sequence change replaces asparagine, which is neutral and polar, with serine, which is neutral and polar, at codon 236 of the LRRC6 protein (p.Asn236Ser). This variant is not present in population databases (gnomAD no frequency). This variant has not been reported in the literature in individuals affected with LRRC6-related conditions. ClinVar contains an entry for this variant (Variation ID: 1681038). Advanced modeling of protein sequence and biophysical properties (such as structural, functional, and spatial information, amino acid conservation, physicochemical variation, residue mobility, and thermodynamic stability) performed at Invitae indicates that this missense variant is not expected to disrupt LRRC6 protein function. In summary, the available evidence is currently insufficient to determine the role of this variant in disease. Therefore, it has been classified as a Variant of Uncertain Significance.